The following is an entry in ClinVar:

ClinVar aggregate classification (germline): Uncertain significance (1 of 4 stars; one submission).

Conditions:
Succinate-semialdehyde dehydrogenase deficiency (SSADHD). Also called: 4-HYDROXYBUTYRIC ACIDURIA; GABA METABOLIC DEFECT; Succinic Semialdehyde Dehydrogenase Deficiency; SSADH DEFICIENCY. Identifiers: Orphanet 22, MedGen C0268631, MONDO:0010083, OMIM 271980.

Allele frequency attached by ClinVar (database versions not stated): gnomAD exomes below 0.00001.

Submission:

Labcorp Genetics (formerly Invitae), Labcorp
Classification: Uncertain significance for Succinate-semialdehyde dehydrogenase deficiency. Last evaluated: 2022-03-23. Review status: criteria provided, single submitter. Criteria: Invitae Variant Classification Sherloc (09022015). Collection method: clinical testing. Allele origin: germline.
Comment: This variant has not been reported in the literature in individuals affected with ALDH5A1-related conditions. In summary, the available evidence is currently insufficient to determine the role of this variant in disease. Therefore, it has been classified as a Variant of Uncertain Significance. Advanced modeling of protein sequence and biophysical properties (such as structural, functional, and spatial information, amino acid conservation, physicochemical variation, residue mobility, and thermodynamic stability) performed at Invitae indicates that this missense variant is not expected to disrupt ALDH5A1 protein function. This variant is not present in population databases (gnomAD no frequency). This sequence change replaces alanine, which is neutral and non-polar, with valine, which is neutral and non-polar, at codon 355 of the ALDH5A1 protein (p.Ala355Val).

NM_001080.3(ALDH5A1):c.1064C>T (p.Ala355Val)

Gene: ALDH5A1 (aldehyde dehydrogenase 5 family member A1; plus strand). Cytogenetic location: 6p22.3.
Variant type: single nucleotide variant.
Coding change: c.1064C>T on transcript NM_001080.3 (MANE Select); coding-DNA position 1064, C replaced by T.
Protein change: p.Ala355Val; replaces alanine 355 with valine.
Molecular consequence: missense variant.
Genome position (GRCh38, 1-based): chr6:24,522,816, C>T. VCF-style: chr6-24522816-C-T. GRCh37 (hg19) VCF-style: chr6-24523044-C-T.
Other names: c.920C>T, p.Ala307Val (NM_001368954.1); c.1103C>T, p.Ala368Val (NM_170740.1); short protein forms A368V, A355V, A307V.
Identifiers: ClinVar variation 2116118 (VCV002116118.4), dbSNP rs2532868189, ClinGen allele CA362976040.